The following is an entry in ClinVar:

NM_201596.3(CACNB2):c.1688G>C (p.Arg563Pro)

Gene: CACNB2 (calcium voltage-gated channel auxiliary subunit beta 2; plus strand). Cytogenetic location: 10p12.31.
Variant type: single nucleotide variant.
Coding change: c.1688G>C on transcript NM_201596.3 (MANE Select); coding-DNA position 1688, G replaced by C.
Protein change: p.Arg563Pro; replaces arginine 563 with proline.
Molecular consequence: missense variant.
Genome position (GRCh38, 1-based): chr10:18,539,429, G>C. VCF-style: chr10-18539429-G-C. GRCh37 (hg19) VCF-style: chr10-18828358-G-C.
Other names: c.1523G>C, p.Arg508Pro (NM_000724.4); c.1490G>C, p.Arg497Pro (NM_001167945.2); c.1409G>C, p.Arg470Pro (NM_001330060.2); c.1544G>C, p.Arg515Pro (NM_201570.3); c.1604G>C, p.Arg535Pro (NM_201571.4); c.1532G>C, p.Arg511Pro (NM_201572.4); c.1526G>C, p.Arg509Pro (NM_201590.3); c.1574G>C, p.Arg525Pro (NM_201593.3); and 1 more; short protein forms R509P, R563P, R515P, R535P, R511P, R539P, R470P, R508P.
Identifiers: ClinVar variation 418104 (VCV000418104.8), dbSNP rs766377211, ClinGen allele CA5430130.

ClinVar aggregate classification (germline): Conflicting classifications of pathogenicity. Review status: criteria provided, conflicting classifications (1 of 4 stars). 4 submissions from 4 submitters: Uncertain significance (3); Likely benign (1). Last evaluated 2025-05-26.

Conditions:
Brugada syndrome 4 (BRGDA4). Identifiers: Orphanet 130, MedGen C2678477, MONDO:0012743, OMIM 611876.
Cardiovascular phenotype. Identifiers: MedGen CN230736.

Allele frequency attached by ClinVar (database versions not stated): TOPMed 0.00002.
gnomAD v4.1: 171 of 1,613,820 alleles (0.011%); highest among the groups gnomAD compares: Non-Finnish European, 0.014%; 3 homozygotes.

Submissions (4):

Ambry Genetics
Classification: Uncertain significance for Cardiovascular phenotype. Last evaluated: 2025-05-26. Review status: criteria provided, single submitter. Criteria: Ambry Variant Classification Scheme 2023. Collection method: clinical testing. Allele origin: germline.

Blueprint Genetics
Classification: Likely benign. Last evaluated: 2022-02-28. Review status: criteria provided, single submitter. Criteria: ACMG Guidelines, 2015. Collection method: clinical testing. Allele origin: germline.

Fulgent Genetics
Classification: Uncertain significance for Brugada syndrome 4. Last evaluated: 2021-10-04. Review status: criteria provided, single submitter. Criteria: ACMG Guidelines, 2015. Collection method: clinical testing. Allele origin: unknown.

GeneDx
Classification: Uncertain significance. Last evaluated: 2017-02-17. Review status: criteria provided, single submitter. Criteria: GeneDx Variant Classification (06012015). Collection method: clinical testing. Allele origin: germline. Affected: yes.
Comment: A variant of uncertain significance has been identified in the CACNB2 gene. The R509P variant has not been published as pathogenic or been reported as benign to our knowledge. This variant is not observed at a significant frequency in large population cohorts (Lek et al., 2016; 1000 Genomes Consortium et al., 2015; Exome Variant Server). The R509P variant is a non-conservative amino acid substitution, which is likely to impact secondary protein structure as these residues differ in polarity, charge, size and/or other properties. This substitution occurs at a position that is conserved across species. In silico analysis predicts this variant is probably damaging to the protein structure/function. However, this variant lacks observation in a significant number of affected individuals, segregation data, and functional evidence, which would further clarify its pathogenicity.